The following is an entry in ClinVar:

ClinVar aggregate classification (germline): Uncertain significance. Review status: criteria provided, multiple submitters, no conflicts (2 of 4 stars). 3 submissions from 3 submitters: Uncertain significance (3). Last evaluated 2025-06-24.

Conditions:
Desmin-related myofibrillar myopathy (MFM1). Also called: Desminopathy; Desmin related myopathy (former name); Desmin storage myopathy (former name); MYOFIBRILLAR MYOPATHY WITH ARRHYTHMOGENIC RIGHT VENTRICULAR CARDIOMYOPATHY; DESMIN-RELATED MYOPATHY WITH ARRHYTHMOGENIC RIGHT VENTRICULAR CARDIOMYOPATHY; Myofibrillar myopathy 1. Identifiers: Orphanet 363543, Orphanet 98909, MedGen C1832370, MONDO:0011076, OMIM 601419.
Cardiovascular phenotype. Identifiers: MedGen CN230736.

Allele frequency attached by ClinVar (database versions not stated): ExAC 0.00001.
gnomAD v4.1: 3 of 1,614,118 alleles (0.00019%); highest among the groups gnomAD compares: South Asian, 0.0022%; no homozygotes.

Submissions (3):

Ambry Genetics
Classification: Uncertain significance for Cardiovascular phenotype. Last evaluated: 2025-06-24. Review status: criteria provided, single submitter. Criteria: Ambry Variant Classification Scheme 2023. Collection method: clinical testing. Allele origin: germline.
Comment: The p.A397T variant (also known as c.1189G>A), located in coding exon 6 of the DES gene, results from a G to A substitution at nucleotide position 1189. The alanine at codon 397 is replaced by threonine, an amino acid with similar properties. This amino acid position is highly conserved in available vertebrate species. In addition, this alteration is predicted to be deleterious by in silico analysis. Based on the available evidence, the clinical significance of this variant remains unclear.

Labcorp Genetics (formerly Invitae), Labcorp
Classification: Uncertain significance for Desmin-related myofibrillar myopathy. Last evaluated: 2024-05-20. Review status: criteria provided, single submitter. Criteria: Invitae Variant Classification Sherloc (09022015). Collection method: clinical testing. Allele origin: germline.
Comment: This sequence change replaces alanine, which is neutral and non-polar, with threonine, which is neutral and polar, at codon 397 of the DES protein (p.Ala397Thr). This variant is present in population databases (rs727502951, gnomAD 0.003%). This variant has not been reported in the literature in individuals affected with DES-related conditions. ClinVar contains an entry for this variant (Variation ID: 163028). Advanced modeling of protein sequence and biophysical properties (such as structural, functional, and spatial information, amino acid conservation, physicochemical variation, residue mobility, and thermodynamic stability) has been performed at Invitae for this missense variant, however the output from this modeling did not meet the statistical confidence thresholds required to predict the impact of this variant on DES protein function. In summary, the available evidence is currently insufficient to determine the role of this variant in disease. Therefore, it has been classified as a Variant of Uncertain Significance.

Laboratory for Molecular Medicine, Mass General Brigham Personalized Medicine
Classification: Uncertain significance. Last evaluated: 2014-11-24. Review status: criteria provided, single submitter. Criteria: LMM Criteria. Collection method: clinical testing. Allele origin: germline. Observed: 2 variant alleles.
Comment: This variant has also been id entified in 1/16624 South Asian chromosomes by the Exome Aggregation Consortium (ExAC). Computational prediction tools and conse rvation analysis suggest that the p.Ala397Thr variant may impact the protein, th ough this information is not predictive enough to determine pathogenicity. In su mmary, the clinical significance of the p.Ala397Thr variant is uncertain.

NM_001927.4(DES):c.1189G>A (p.Ala397Thr)

Gene: DES (desmin; plus strand). Cytogenetic location: 2q35.
Variant type: single nucleotide variant.
Coding change: c.1189G>A on transcript NM_001927.4 (MANE Select); coding-DNA position 1189, G replaced by A.
Protein change: p.Ala397Thr; replaces alanine 397 with threonine.
Molecular consequence: missense variant.
Genome position (GRCh38, 1-based): chr2:219,421,505, G>A. VCF-style: chr2-219421505-G-A. GRCh37 (hg19) VCF-style: chr2-220286227-G-A.
Other names: short protein forms A397T.
Identifiers: ClinVar variation 163028 (VCV000163028.8), dbSNP rs727502951, ClinGen allele CA175623.